The following is an entry in ClinVar:

ClinVar aggregate classification (germline): Uncertain significance (1 of 4 stars; one submission).

Conditions:
Hyperinsulinemic hypoglycemia, familial, 1 (HHF1). Also called: NESIDIOBLASTOSIS OF PANCREAS; HYPERINSULINISM, FAMILIAL, WITH PANCREATIC NESIDIOBLASTOSIS; HYPOGLYCEMIA, HYPERINSULINEMIC, OF INFANCY; Persistent hyperinsulinemic hypoglycemia of infancy; Persistent Hyperinsulinemia Hypoglycemia of Infancy. Identifiers: Orphanet 276575, Orphanet 276598, MedGen C2931832, MONDO:0009734, OMIM 256450.

Allele frequency attached by ClinVar (database versions not stated): gnomAD exomes below 0.00001; TOPMed below 0.00001.
gnomAD v4.1: 2 of 1,613,942 alleles (0.00012%); highest among the groups gnomAD compares: African/African-American, 0.0027%; no homozygotes.

Submission:

New York Genome Center
Classification: Uncertain significance for Type 2 diabetes mellitus; Hyperinsulinemic hypoglycemia, familial, 1. Last evaluated: 2022-03-30. Review status: criteria provided, single submitter. Criteria: NYGC Assertion Criteria 2020. Collection method: clinical testing. Allele origin: germline. Observed: 1 heterozygote.
Comment: The c.1012-7C>G variant has not previously been reported in the literature or public variant repositories (ClinVar and LOVD). The c.1012-7C>G variant is observed in 1allele in population databases (gnomAD v2.1.1 and v3.1.2, TOPMed Freeze 8, All of Us), suggesting it is not a common benign variant in the populations represented in those databases. The c.1012-7C>G variant is located in the splice region preceding exon 7 of this 39-exon gene, and is moderately predicted to disrupt splice acceptor site (Splice AI Acceptor Loss = 0.48) which might result in exon skipping or full/partial intron retention; however, there are no functional studies to support or refute this prediction. Based on available evidence this c.1012-7C>G splice region variant identified in ABCC8 is classified here as a Variant of Uncertain Significance.

NM_000352.6(ABCC8):c.1012-7C>G

Gene: ABCC8 (ATP binding cassette subfamily C member 8; minus strand). Cytogenetic location: 11p15.1.
Variant type: single nucleotide variant.
Coding change: c.1012-7C>G on transcript NM_000352.6 (MANE Select); 7 bases into the intron before coding-DNA position 1012, C replaced by G.
Molecular consequence: intron variant.
Genome position (GRCh38, 1-based): chr11:17,453,290, G>C on the plus strand (C>G on the coding strand, the complement: ABCC8 is on the minus strand). VCF-style: chr11-17453290-G-C. GRCh37 (hg19) VCF-style: chr11-17474837-G-C.
Other names: c.1009-7C>G (NM_001351297.2, NM_001351296.2); c.1012-7C>G (NM_001351295.2, NM_001287174.3).
Identifiers: ClinVar variation 2502242 (VCV002502242.2), dbSNP rs1432242497, ClinGen allele CA674193988.
Genomic context (GRCh38, chr11:17,453,290, plus strand): 5'-GGCATTGGCAAGGAACTCTTGGGATGAGACAAAGTAAACCCCGAGAAATTGTGTCTGTTG[G>C]AAAGAGAAGTTCAGAGGTGACTGTCATTGCCAGCAAAATGACCACCGTAGAACACATCAC-3'